The following is an entry in ClinVar:

NM_022436.3(ABCG5):c.1171C>T (p.Leu391Phe)

Genes: ABCG5 (ATP binding cassette subfamily G member 5; minus strand), DYNC2LI1 (dynein cytoplasmic 2 light intermediate chain 1; plus strand). Cytogenetic location: 2p21.
Variant type: single nucleotide variant.
Coding change: c.1171C>T on transcript NM_022436.3 (MANE Select); coding-DNA position 1171, C replaced by T.
Protein change: p.Leu391Phe; replaces leucine 391 with phenylalanine.
Molecular consequence: missense variant. On other transcripts: intron variant (2).
Genome position (GRCh38, 1-based): chr2:43,824,066, G>A on the plus strand (C>T on the coding strand, the complement: ABCG5 is on the minus strand). VCF-style: chr2-43824066-G-A. GRCh37 (hg19) VCF-style: chr2-44051205-G-A.
Other names: c.*16-3320G>A (NM_001348913.2, NM_001348912.2); short protein forms L391F.
Identifiers: ClinVar variation 597032 (VCV000597032.18), dbSNP rs148997255, ClinGen allele CA1636377.

ClinVar aggregate classification (germline): Uncertain significance. Review status: criteria provided, multiple submitters, no conflicts (2 of 4 stars). 8 submissions from 8 submitters: Uncertain significance (8). Last evaluated 2026-08-17.

Conditions:
Cardiovascular phenotype. Identifiers: MedGen CN230736.
ABCG5-related disorder. Also called: ABCG5-related condition.
Sitosterolemia 2. Identifiers: MedGen C5231453, MONDO:0020748, OMIM 618666.
Sitosterolemia (STSL). Also called: PHYTOSTEROLEMIA. Identifiers: Orphanet 2882, MedGen C0342907, MONDO:0008863.

Allele frequency attached by ClinVar (database versions not stated): TOPMed 0.00049; gnomAD exomes 0.00008 and 0.00002; ExAC 0.00012; 1000 Genomes Project 0.00060; 1000 Genomes Project 30x 0.00062; gnomAD 0.00027 and 0.00028; ESP Exome Variant Server 0.00062.
gnomAD v4.1: 81 of 1,614,208 alleles (0.005%); highest among the groups gnomAD compares: African/African-American, 0.065%; no homozygotes.

Submissions (8):

PreventionGenetics, part of Exact Sciences
Classification: Uncertain significance for ABCG5-related condition. Last evaluated: 2026-08-17. Review status: criteria provided, single submitter. Criteria: ACMG Guidelines, 2015. Collection method: clinical testing. Allele origin: germline.
Comment: The ABCG5 c.1171C>T variant is predicted to result in the amino acid substitution p.Leu391Phe. To our knowledge, this variant has not been reported in the literature. This variant is reported in 0.068% of alleles in individuals of African descent in gnomAD, which may be too frequent to be a primary cause of disease. Although we suspect that this variant may be benign, the clinical significance of this variant is currently classified as uncertain due to the absence of conclusive functional and genetic evidence.

Ambry Genetics
Classification: Uncertain significance for Cardiovascular phenotype. Last evaluated: 2025-12-08. Review status: criteria provided, single submitter. Criteria: Ambry Variant Classification Scheme 2023. Collection method: clinical testing. Allele origin: germline.

Blueprint Genetics
Classification: Uncertain significance. Last evaluated: 2024-07-15. Review status: criteria provided, single submitter. Criteria: ACMG Guidelines, 2015. Collection method: clinical testing. Allele origin: germline.

Revvity Omics, Revvity
Classification: Uncertain significance for Sitosterolemia 2. Last evaluated: 2024-05-10. Review status: criteria provided, single submitter. Criteria: ACMG Guidelines, 2015. Collection method: clinical testing. Allele origin: germline.

Women's Health and Genetics/Laboratory Corporation of America, LabCorp
Classification: Uncertain significance. Last evaluated: 2023-07-18. Review status: criteria provided, single submitter. Criteria: LabCorp Variant Classification Summary - May 2015. Collection method: clinical testing. Allele origin: germline.

Labcorp Genetics (formerly Invitae), Labcorp
Classification: Uncertain significance for Sitosterolemia. Last evaluated: 2022-07-04. Review status: criteria provided, single submitter. Criteria: Invitae Variant Classification Sherloc (09022015). Collection method: clinical testing. Allele origin: germline.
Comment: This sequence change replaces leucine, which is neutral and non-polar, with phenylalanine, which is neutral and non-polar, at codon 391 of the ABCG5 protein (p.Leu391Phe). This variant is present in population databases (rs148997255, gnomAD 0.07%). This variant has not been reported in the literature in individuals affected with ABCG5-related conditions. ClinVar contains an entry for this variant (Variation ID: 597032). Algorithms developed to predict the effect of missense changes on protein structure and function (SIFT, PolyPhen-2, Align-GVGD) all suggest that this variant is likely to be tolerated. Algorithms developed to predict the effect of sequence changes on RNA splicing suggest that this variant may create or strengthen a splice site. In summary, the available evidence is currently insufficient to determine the role of this variant in disease. Therefore, it has been classified as a Variant of Uncertain Significance.

Fulgent Genetics
Classification: Uncertain significance for Sitosterolemia 2. Last evaluated: 2021-10-28. Review status: criteria provided, single submitter. Criteria: ACMG Guidelines, 2015. Collection method: clinical testing. Allele origin: unknown.

Eurofins Ntd Llc (ga)
Classification: Uncertain significance. Last evaluated: 2018-05-14. Review status: criteria provided, single submitter. Criteria: EGL ClinVar v180209 classification definitions. Collection method: clinical testing. Allele origin: germline. Observed: 1 variant allele, 1 heterozygote.